The following is an entry in ClinVar:

ClinVar aggregate classification (germline): Uncertain significance (1 of 4 stars; one submission).

Submission:

GeneDx
Classification: Uncertain significance. Last evaluated: 2026-04-01. Review status: criteria provided, single submitter. Criteria: GeneDx Variant Classification Process June 2021. Collection method: clinical testing. Allele origin: germline.
Comment: Not observed at significant frequency in large population cohorts (gnomAD); In silico analysis suggests that this missense variant does not alter protein structure/function; Has not been previously published as pathogenic or benign to our knowledge

NM_016578.4(RSF1):c.4176G>T (p.Gln1392His)

Gene: RSF1 (remodeling and spacing factor 1; minus strand). Cytogenetic location: 11q14.1.
Variant type: single nucleotide variant.
Coding change: c.4176G>T on transcript NM_016578.4 (MANE Select); coding-DNA position 4176, G replaced by T.
Protein change: p.Gln1392His; replaces glutamine 1392 with histidine.
Molecular consequence: missense variant.
Genome position (GRCh38, 1-based): chr11:77,667,067, C>A on the plus strand (G>T on the coding strand, the complement: RSF1 is on the minus strand). VCF-style: chr11-77667067-C-A. GRCh37 (hg19) VCF-style: chr11-77378112-C-A.
Other names: short protein forms Q1392H.
Identifiers: ClinVar variation 5018133 (VCV005018133.1).